The following is an entry in ClinVar:

ClinVar aggregate classification (germline): Uncertain significance. Review status: criteria provided, multiple submitters, no conflicts (2 of 4 stars). 2 submissions from 2 submitters: Uncertain significance (2). Last evaluated 2024-11-22.

gnomAD v4.1: 4 of 1,614,056 alleles (0.00025%); highest among the groups gnomAD compares: Non-Finnish European, 0.00025%; no homozygotes.

Submissions (2):

Ambry Genetics
Classification: Uncertain significance. Last evaluated: 2024-11-22. Review status: criteria provided, single submitter. Criteria: Ambry Variant Classification Scheme 2023. Collection method: clinical testing. Allele origin: germline.
Comment: The p.E156Q variant (also known as c.466G>C), located in coding exon 4 of the RINT1 gene, results from a G to C substitution at nucleotide position 466. The glutamic acid at codon 156 is replaced by glutamine, an amino acid with highly similar properties. This amino acid position is conserved. In addition, this alteration is predicted to be tolerated by in silico analysis. Since supporting evidence is limited at this time, the clinical significance of this alteration remains unclear.

Labcorp Genetics (formerly Invitae), Labcorp
Classification: Uncertain significance. Last evaluated: 2022-06-06. Review status: criteria provided, single submitter. Criteria: Invitae Variant Classification Sherloc (09022015). Collection method: clinical testing. Allele origin: germline.
Comment: This sequence change replaces glutamic acid, which is acidic and polar, with glutamine, which is neutral and polar, at codon 156 of the RINT1 protein (p.Glu156Gln). This variant is present in population databases (no rsID available, gnomAD 0.0009%). This variant has not been reported in the literature in individuals affected with RINT1-related conditions. ClinVar contains an entry for this variant (Variation ID: 648993). Algorithms developed to predict the effect of missense changes on protein structure and function (SIFT, PolyPhen-2, Align-GVGD) all suggest that this variant is likely to be tolerated. In summary, the available evidence is currently insufficient to determine the role of this variant in disease. Therefore, it has been classified as a Variant of Uncertain Significance.

NM_021930.6(RINT1):c.466G>C (p.Glu156Gln)

Gene: RINT1 (RAD50 interactor 1; plus strand). Cytogenetic location: 7q22.3.
Variant type: single nucleotide variant.
Coding change: c.466G>C on transcript NM_021930.6 (MANE Select); coding-DNA position 466, G replaced by C.
Protein change: p.Glu156Gln; replaces glutamic acid 156 with glutamine.
Molecular consequence: missense variant. On other transcripts: 5 prime UTR variant (3), non-coding transcript variant (1).
Genome position (GRCh38, 1-based): chr7:105,542,600, G>C. VCF-style: chr7-105542600-G-C. GRCh37 (hg19) VCF-style: chr7-105183047-G-C.
Other names: c.232G>C, p.Glu78Gln (NM_001346599.2); c.-554G>C (NM_001346600.2); c.-457G>C (NM_001346601.2); c.-77G>C (NM_001346603.2); short protein forms E78Q, E156Q.
Identifiers: ClinVar variation 648993 (VCV000648993.13), dbSNP rs772540725, ClinGen allele CA368803816.